The following is an entry in ClinVar:

NM_006767.4(LZTR1):c.209A>T (p.Lys70Met)

Gene: LZTR1 (leucine zipper like post translational regulator 1; plus strand). Cytogenetic location: 22q11.21.
Variant type: single nucleotide variant.
Coding change: c.209A>T on transcript NM_006767.4 (MANE Select); coding-DNA position 209, A replaced by T.
Protein change: p.Lys70Met; replaces lysine 70 with methionine.
Molecular consequence: missense variant.
Genome position (GRCh38, 1-based): chr22:20,983,035, A>T. VCF-style: chr22-20983035-A-T. GRCh37 (hg19) VCF-style: chr22-21337324-A-T.
Other names: short protein forms K70M.
Identifiers: ClinVar variation 1801482 (VCV001801482.2), dbSNP rs2518608560, ClinGen allele CA410778269.

ClinVar aggregate classification (germline): Uncertain significance (1 of 4 stars; one submission).

Conditions:
Noonan syndrome 10 (NS10). Identifiers: Orphanet 648, MedGen C4225280, MONDO:0014693, OMIM 616564.

Allele frequency attached by ClinVar (database versions not stated): gnomAD exomes below 0.00001.
gnomAD v4.1: 1 of 1,614,126 alleles (0.000062%); highest among the groups gnomAD compares: Non-Finnish European, 0.000085%; no homozygotes.

Submission:

Laboratorio de Biologia Molecular - Genetica, Hospital de Pediatria Garrahan
Classification: Uncertain significance for Noonan syndrome 10. Review status: criteria provided, single submitter. Criteria: ACMG Guidelines, 2015. Collection method: clinical testing. Allele origin: de novo. Inheritance: Autosomal dominant inheritance. Affected: yes. Observed: 1 heterozygote.
Comment: It is not reported in gnomad nor in NSEuronet. Different in silico tools predict a deleterious effect in the protein. Variants in LZTR1 have been associated with either dominant and recessive Noonan syndrome (Johnston et al 2018) The variant meets our criteria to be classified as a variant of uncertain significance.